The following is an entry in ClinVar:

ClinVar aggregate classification (germline): Likely benign (1 of 4 stars; one submission).

gnomAD v4.1: 87 of 654,172 alleles (0.013%); highest among the groups gnomAD compares: Middle Eastern, 0.049%; 1 homozygote.

Submission:

CeGaT Center for Human Genetics Tuebingen
Classification: Likely benign. Last evaluated: 2026-07-01. Review status: criteria provided, single submitter. Criteria: CeGaT Center For Human Genetics Tuebingen Variant Classification Criteria Version 2. Collection method: clinical testing. Allele origin: germline. Affected: yes. Observed: 3 variant alleles.
Comment: SHANK2: BP4, BP7

NM_012309.5(SHANK2):c.1473G>A (p.Pro491=)

Gene: SHANK2 (SH3 and multiple ankyrin repeat domains 2; minus strand). Cytogenetic location: 11q13.4.
Variant type: single nucleotide variant.
Coding change: c.1473G>A on transcript NM_012309.5 (MANE Select); coding-DNA position 1473, G replaced by A.
Protein change: p.Pro491=; no amino-acid change (proline 491 retained).
Molecular consequence: synonymous variant.
Genome position (GRCh38, 1-based): chr11:70,820,384, C>T on the plus strand (G>A on the coding strand, the complement: SHANK2 is on the minus strand). VCF-style: chr11-70820384-C-T. GRCh37 (hg19) VCF-style: chr11-70666489-C-T.
Other names: c.336G>A, p.Pro112= (NM_001379226.1, NM_001441040.1, NM_001441041.1); c.1644G>A, p.Pro548= (NM_001441024.1); c.1473G>A, p.Pro491= (NM_001441025.1, NM_001441026.1, NM_001441027.1 and 11 more transcripts); c.1401G>A, p.Pro467= (NM_001441038.1).
Identifiers: ClinVar variation 4681407 (VCV004681407.5).